The following is an entry in ClinVar:

ClinVar aggregate classification (germline): Uncertain significance. Review status: criteria provided, multiple submitters, no conflicts (2 of 4 stars). 2 submissions from 2 submitters: Uncertain significance (2). Last evaluated 2025-04-10.

Conditions:
Colorectal cancer, hereditary nonpolyposis, type 7. Identifiers: Orphanet 144, MedGen C1858380, MONDO:0013725, OMIM 614385.

Allele frequency attached by ClinVar (database versions not stated): gnomAD 0.00001; gnomAD exomes 0.00001; TOPMed 0.00001.
gnomAD v4.1: 20 of 1,613,292 alleles (0.0012%); highest among the groups gnomAD compares: Non-Finnish European, 0.0017%; no homozygotes.

Submissions (2):

Labcorp Genetics (formerly Invitae), Labcorp
Classification: Uncertain significance for Colorectal cancer, hereditary nonpolyposis, type 7. Last evaluated: 2025-04-10. Review status: criteria provided, single submitter. Criteria: Invitae Variant Classification Sherloc (09022015). Collection method: clinical testing. Allele origin: germline.
Comment: This sequence change replaces phenylalanine, which is neutral and non-polar, with isoleucine, which is neutral and non-polar, at codon 608 of the MLH3 protein (p.Phe608Ile). This variant is not present in population databases (gnomAD no frequency). This variant has not been reported in the literature in individuals affected with MLH3-related conditions. ClinVar contains an entry for this variant (Variation ID: 1780785). An algorithm developed to predict the effect of missense changes on protein structure and function (PolyPhen-2) suggests that this variant is likely to be disruptive. In summary, the available evidence is currently insufficient to determine the role of this variant in disease. Therefore, it has been classified as a Variant of Uncertain Significance.

Ambry Genetics
Classification: Uncertain significance. Last evaluated: 2024-04-26. Review status: criteria provided, single submitter. Criteria: Ambry Variant Classification Scheme 2023. Collection method: clinical testing. Allele origin: germline.
Comment: The p.F608I variant (also known as c.1822T>A), located in coding exon 1 of the MLH3 gene, results from a T to A substitution at nucleotide position 1822. The phenylalanine at codon 608 is replaced by isoleucine, an amino acid with highly similar properties. This amino acid position is well conserved in available vertebrate species. In addition, this alteration is predicted to be tolerated by in silico analysis. Since supporting evidence is limited at this time, the clinical significance of this alteration remains unclear.

NM_001040108.2(MLH3):c.1822T>A (p.Phe608Ile)

Gene: MLH3 (mutL homolog 3; minus strand). Cytogenetic location: 14q24.3.
Variant type: single nucleotide variant.
Coding change: c.1822T>A on transcript NM_001040108.2 (MANE Select); coding-DNA position 1822, T replaced by A.
Protein change: p.Phe608Ile; replaces phenylalanine 608 with isoleucine.
Molecular consequence: missense variant.
Genome position (GRCh38, 1-based): chr14:75,047,834, A>T on the plus strand (T>A on the coding strand, the complement: MLH3 is on the minus strand). VCF-style: chr14-75047834-A-T. GRCh37 (hg19) VCF-style: chr14-75514537-A-T.
Other names: c.1822T>A, p.Phe608Ile (NM_014381.3); short protein forms F608I.
Identifiers: ClinVar variation 1780785 (VCV001780785.4), dbSNP rs1017664200, ClinGen allele CA263652767.